The following is an entry in ClinVar:

NM_000384.3(APOB):c.13145T>C (p.Met4382Thr)

Gene: APOB (apolipoprotein B; minus strand). Cytogenetic location: 2p24.1.
Variant type: single nucleotide variant.
Coding change: c.13145T>C on transcript NM_000384.3 (MANE Select); coding-DNA position 13145, T replaced by C.
Protein change: p.Met4382Thr; replaces methionine 4382 with threonine.
Molecular consequence: missense variant.
Genome position (GRCh38, 1-based): chr2:21,002,277, A>G on the plus strand (T>C on the coding strand, the complement: APOB is on the minus strand). VCF-style: chr2-21002277-A-G. GRCh37 (hg19) VCF-style: chr2-21225149-A-G.
Other names: c.13145T>C (NM_000384.2); short protein forms M4382T.
Identifiers: ClinVar variation 4788576 (VCV004788576.3).

ClinVar aggregate classification (germline): Conflicting classifications of pathogenicity. Review status: criteria provided, conflicting classifications (1 of 4 stars). 2 submissions from 2 submitters: Uncertain significance (1); Likely benign (1). Last evaluated 2026-09-11.

Conditions:
Familial hypobetalipoproteinemia 1. Also called: Hypobetalipoproteinemia, normotriglyceridemic; Acanthocytosis with hypobetalipoproteinemia; APOB-Related Familial Hypobetalipoproteinemia. Identifiers: MedGen C4551990, MONDO:0014252, OMIM 615558.
Hypercholesterolemia, autosomal dominant, type B (FHCL2). Also called: Familial Hypercholesterolemia Type B; APOLIPOPROTEIN B-100, FAMILIAL DEFECTIVE; APOLIPOPROTEIN B-100, FAMILIAL LIGAND-DEFECTIVE; HYPERCHOLESTEROLEMIA, FAMILIAL, DUE TO LIGAND-DEFECTIVE APOLIPOPROTEIN B; Hyperlipoproteinemia Type IIb; Familial hypercholesterolemia 2. Identifiers: MedGen C1704417, MONDO:0007751, OMIM 144010.
Cardiovascular phenotype. Identifiers: MedGen CN230736.

gnomAD v4.1: 3 of 1,614,010 alleles (0.00019%); highest among the groups gnomAD compares: African/African-American, 0.004%; no homozygotes.

Submissions (2):

Ambry Genetics
Classification: Uncertain significance for Cardiovascular phenotype. Last evaluated: 2026-09-11. Review status: criteria provided, single submitter. Criteria: Ambry Variant Classification Scheme 2023. Collection method: clinical testing. Allele origin: germline.
Comment: The p.M4382T variant (also known as c.13145T>C), located in coding exon 29 of the APOB gene, results from a T to C substitution at nucleotide position 13145. The methionine at codon 4382 is replaced by threonine, an amino acid with similar properties. This amino acid position is conserved. In addition, this alteration is predicted to be tolerated by in silico analysis. Based on the available evidence, the clinical significance of this variant remains unclear.

Labcorp Genetics (formerly Invitae), Labcorp
Classification: Likely benign for Familial hypobetalipoproteinemia 1; Hypercholesterolemia, autosomal dominant, type B. Last evaluated: 2025-10-22. Review status: criteria provided, single submitter. Criteria: Invitae Variant Classification Sherloc (09022015). Collection method: clinical testing. Allele origin: germline.